The following is an entry in ClinVar:

ClinVar aggregate classification (germline): Uncertain significance (1 of 4 stars; one submission).

Conditions:
Shprintzen-Goldberg syndrome (SGS). Also called: SHPRINTZEN-GOLDBERG CRANIOSYNOSTOSIS SYNDROME; CRANIOSYNOSTOSIS WITH ARACHNODACTYLY AND ABDOMINAL HERNIAS; Marfanoid disorder with craniosynostosis type 1; Marfanoid craniosynostosis syndrome; Shprintzen-Goldberg marfanoid syndrome. Identifiers: Orphanet 2462, MedGen C1321551, MONDO:0008426, OMIM 182212.

Allele frequency attached by ClinVar (database versions not stated): gnomAD exomes below 0.00001.
gnomAD v4.1: 1 of 1,612,592 alleles (0.000062%); highest among the groups gnomAD compares: Non-Finnish European, 0.000085%; no homozygotes.

Submission:

Labcorp Genetics (formerly Invitae), Labcorp
Classification: Uncertain significance for Shprintzen-Goldberg syndrome. Last evaluated: 2020-02-12. Review status: criteria provided, single submitter. Criteria: Invitae Variant Classification Sherloc (09022015). Collection method: clinical testing. Allele origin: germline.
Comment: In summary, the available evidence is currently insufficient to determine the role of this variant in disease. Therefore, it has been classified as a Variant of Uncertain Significance. Algorithms developed to predict the effect of missense changes on protein structure and function (SIFT, PolyPhen-2, Align-GVGD) all suggest that this variant is likely to be tolerated, but these predictions have not been confirmed by published functional studies and their clinical significance is uncertain. This sequence change replaces glycine with glutamic acid at codon 463 of the SKI protein (p.Gly463Glu). The glycine residue is moderately conserved and there is a moderate physicochemical difference between glycine and glutamic acid. This variant is not present in population databases (ExAC no frequency). This variant has not been reported in the literature in individuals with SKI-related conditions.

NM_003036.4(SKI):c.1388G>A (p.Gly463Glu)

Gene: SKI (SKI proto-oncogene; plus strand). Cytogenetic location: 1p36.32.
Variant type: single nucleotide variant.
Coding change: c.1388G>A on transcript NM_003036.4 (MANE Select); coding-DNA position 1388, G replaced by A.
Protein change: p.Gly463Glu; replaces glycine 463 with glutamic acid.
Molecular consequence: missense variant.
Genome position (GRCh38, 1-based): chr1:2,304,016, G>A. VCF-style: chr1-2304016-G-A. GRCh37 (hg19) VCF-style: chr1-2235455-G-A.
Other names: short protein forms G463E.
Identifiers: ClinVar variation 933317 (VCV000933317.9), dbSNP rs1640496768, ClinGen allele CA337956591.